The following is an entry in ClinVar:

ClinVar aggregate classification (germline): Uncertain significance (1 of 4 stars; one submission).

gnomAD v4.1: 1 of 1,509,308 alleles (0.000066%); highest among the groups gnomAD compares: Admixed American, 0.0021%; no homozygotes.

Submission:

Labcorp Genetics (formerly Invitae), Labcorp
Classification: Uncertain significance. Last evaluated: 2022-03-15. Review status: criteria provided, single submitter. Criteria: Invitae Variant Classification Sherloc (09022015). Collection method: clinical testing. Allele origin: germline.
Comment: This variant is not present in population databases (gnomAD no frequency). This sequence change replaces arginine, which is basic and polar, with proline, which is neutral and non-polar, at codon 200 of the OBSL1 protein (p.Arg200Pro). This variant has not been reported in the literature in individuals affected with OBSL1-related conditions. In summary, the available evidence is currently insufficient to determine the role of this variant in disease. Therefore, it has been classified as a Variant of Uncertain Significance. Algorithms developed to predict the effect of missense changes on protein structure and function are either unavailable or do not agree on the potential impact of this missense change (SIFT: "Deleterious"; PolyPhen-2: "Probably Damaging"; Align-GVGD: "Class C0").

NM_015311.3(OBSL1):c.599G>C (p.Arg200Pro)

Gene: OBSL1 (obscurin like cytoskeletal adaptor 1; minus strand). Cytogenetic location: 2q35.
Variant type: single nucleotide variant.
Coding change: c.599G>C on transcript NM_015311.3 (MANE Select); coding-DNA position 599, G replaced by C.
Protein change: p.Arg200Pro; replaces arginine 200 with proline.
Molecular consequence: missense variant.
Genome position (GRCh38, 1-based): chr2:219,570,634, C>G on the plus strand (G>C on the coding strand, the complement: OBSL1 is on the minus strand). VCF-style: chr2-219570634-C-G. GRCh37 (hg19) VCF-style: chr2-220435356-C-G.
Other names: c.599G>C, p.Arg200Pro (NM_001173408.2, NM_001173431.2); short protein forms R200P.
Identifiers: ClinVar variation 1517858 (VCV001517858.8), dbSNP rs2106116161, ClinGen allele CA350764664.